The following is an entry in ClinVar:

NM_012414.4(RAB3GAP2):c.*2464T>C

Gene: RAB3GAP2 (RAB3 GTPase activating non-catalytic protein subunit 2; minus strand). Cytogenetic location: 1q41.
Variant type: single nucleotide variant.
Coding change: c.*2464T>C on transcript NM_012414.4 (MANE Select); 2464 bases downstream of the stop codon, T replaced by C.
Molecular consequence: 3 prime UTR variant.
Genome position (GRCh38, 1-based): chr1:220,148,787, A>G on the plus strand (T>C on the coding strand, the complement: RAB3GAP2 is on the minus strand). VCF-style: chr1-220148787-A-G. GRCh37 (hg19) VCF-style: chr1-220322129-A-G.
Identifiers: ClinVar variation 295610 (VCV000295610.5), dbSNP rs111341601, ClinGen allele CA10610129.

ClinVar aggregate classification (germline): Likely benign. Review status: criteria provided, single submitter (1 of 4 stars). 2 submissions from 1 submitter: Likely benign (2). Last evaluated 2018-01-12.

Conditions:
Warburg micro syndrome 2 (WARBM2). Also called: MICRO SYNDROME 2. Identifiers: Orphanet 2510, MedGen C3280214, MONDO:0013641, OMIM 614225.
Martsolf syndrome (MARTS). Also called: Congenital cataract with intellectual disability and hypogonadotropic hypogonadism syndrome. Identifiers: Orphanet 1387, MedGen C0796037, MONDO:0023910.

Allele frequency attached by ClinVar (database versions not stated): 1000 Genomes Project 30x 0.00297; 1000 Genomes Project 0.00300; gnomAD 0.00423 and 0.00444; TOPMed 0.00467.

Submissions (2):

Illumina Laboratory Services, Illumina
Classification: Likely benign for Martsolf syndrome 1. Last evaluated: 2018-01-12. Review status: criteria provided, single submitter. Criteria: ICSL Variant Classification Criteria 13 December 2019. Collection method: clinical testing. Allele origin: germline.
Comment: This variant was observed in the ICSL laboratory as part of a predisposition screen in an ostensibly healthy population. It had not been previously curated by ICSL or reported in the Human Gene Mutation Database (HGMD: prior to June 1st, 2018), and was therefore a candidate for classification through an automated scoring system. Utilizing variant allele frequency, disease prevalence and penetrance estimates, and inheritance mode, an automated score was calculated to assess if this variant is too frequent to cause the disease. Based on the score and internal cut-off values, a variant classified as likely benign is not then subjected to further curation. The score for this variant resulted in a classification of likely benign for this disease.

Illumina Laboratory Services, Illumina
Classification: Likely benign for Warburg micro syndrome 2. Last evaluated: 2018-01-12. Review status: criteria provided, single submitter. Criteria: ICSL Variant Classification Criteria 13 December 2019. Collection method: clinical testing. Allele origin: germline.
Comment: the same text as in the submission from Illumina Laboratory Services, Illumina above.